The following is an entry in ClinVar:

NM_032806.6(POMGNT2):c.364G>T (p.Val122Leu)

Gene: POMGNT2 (protein O-linked mannose N-acetylglucosaminyltransferase 2 (beta 1,4-); minus strand). Cytogenetic location: 3p22.1.
Variant type: single nucleotide variant.
Coding change: c.364G>T on transcript NM_032806.6 (MANE Select); coding-DNA position 364, G replaced by T.
Protein change: p.Val122Leu; replaces valine 122 with leucine.
Molecular consequence: missense variant.
Genome position (GRCh38, 1-based): chr3:43,081,068, C>A on the plus strand (G>T on the coding strand, the complement: POMGNT2 is on the minus strand). VCF-style: chr3-43081068-C-A. GRCh37 (hg19) VCF-style: chr3-43122560-C-A.
Other names: short protein forms V122L.
Identifiers: ClinVar variation 1423238 (VCV001423238.4), dbSNP rs149948290, ClinGen allele CA74244127.

ClinVar aggregate classification (germline): Uncertain significance (1 of 4 stars; one submission).

Conditions:
Muscular dystrophy-dystroglycanopathy (congenital with brain and eye anomalies), type a, 8 (MDDGA8). Also called: WALKER-WARBURG SYNDROME OR MUSCLE-EYE-BRAIN DISEASE, GTDC2-RELATED. Identifiers: Orphanet 899, MedGen C3553813, MONDO:0013904, OMIM 614830.

gnomAD v4.1: 2 of 1,614,082 alleles (0.00012%); highest among the groups gnomAD compares: African/African-American, 0.0013%; no homozygotes.

Submission:

Labcorp Genetics (formerly Invitae), Labcorp
Classification: Uncertain significance for Muscular dystrophy-dystroglycanopathy (congenital with brain and eye anomalies), type a, 8. Last evaluated: 2025-05-27. Review status: criteria provided, single submitter. Criteria: Invitae Variant Classification Sherloc (09022015). Collection method: clinical testing. Allele origin: germline.
Comment: This sequence change replaces valine, which is neutral and non-polar, with leucine, which is neutral and non-polar, at codon 122 of the POMGNT2 protein (p.Val122Leu). This variant is not present in population databases (gnomAD no frequency). This variant has not been reported in the literature in individuals affected with POMGNT2-related conditions. ClinVar contains an entry for this variant (Variation ID: 1423238). Invitae Evidence Modeling of protein sequence and biophysical properties (such as structural, functional, and spatial information, amino acid conservation, physicochemical variation, residue mobility, and thermodynamic stability) indicates that this missense variant is not expected to disrupt POMGNT2 protein function with a negative predictive value of 80%. In summary, the available evidence is currently insufficient to determine the role of this variant in disease. Therefore, it has been classified as a Variant of Uncertain Significance.